The following is an entry in ClinVar:

NM_005592.4(MUSK):c.1931T>C (p.Val644Ala)

Gene: MUSK (muscle associated receptor tyrosine kinase; plus strand). Cytogenetic location: 9q31.3.
Variant type: single nucleotide variant.
Coding change: c.1931T>C on transcript NM_005592.4 (MANE Select); coding-DNA position 1931, T replaced by C.
Protein change: p.Val644Ala; replaces valine 644 with alanine.
Molecular consequence: missense variant.
Genome position (GRCh38, 1-based): chr9:110,800,309, T>C. VCF-style: chr9-110800309-T-C. GRCh37 (hg19) VCF-style: chr9-113562589-T-C.
Other names: c.1673T>C, p.Val558Ala (NM_001166280.2); c.1643T>C, p.Val548Ala (NM_001166281.2); c.671T>C, p.Val224Ala (NM_001369398.1); short protein forms V644A, V548A, V224A, V558A.
Identifiers: ClinVar variation 259805 (VCV000259805.57), dbSNP rs41279055, ClinGen allele CA5184534.

ClinVar aggregate classification (germline): Conflicting classifications of pathogenicity. Review status: criteria provided, conflicting classifications (1 of 4 stars). 9 submissions from 9 submitters: Uncertain significance (3); Likely benign (6). Last evaluated 2026-09-01.

Conditions:
Congenital myasthenic syndrome 9. Also called: Myasthenic syndrome, congenital, 9, associated with acetylcholine receptor deficiency. Identifiers: Orphanet 590, MedGen C4225368, MONDO:0014587, OMIM 616325.
Fetal akinesia deformation sequence 1 (FADS1). Also called: Fetal akinesia sequence; Pena-Shokeir syndrome type I. Identifiers: Orphanet 994, MedGen C1276035, MONDO:0100101, OMIM 208150, HP:0001989.

Allele frequency attached by ClinVar (database versions not stated): 1000 Genomes Project 0.00180; 1000 Genomes Project 30x 0.00187; ESP Exome Variant Server 0.00246; gnomAD 0.00255 and 0.00267; ExAC 0.00284; TOPMed 0.00284; gnomAD exomes 0.00298 and 0.00369.
gnomAD v4.1: 5,733 of 1,604,290 alleles (0.36%); highest among the groups gnomAD compares: Non-Finnish European, 0.41%; 18 homozygotes.

Submissions (9):

CeGaT Center for Human Genetics Tuebingen
Classification: Likely benign. Last evaluated: 2026-09-01. Review status: criteria provided, single submitter. Criteria: CeGaT Center For Human Genetics Tuebingen Variant Classification Criteria Version 2. Collection method: clinical testing. Allele origin: germline. Affected: yes. Observed: 7 variant alleles.
Comment: MUSK: BS2

Labcorp Genetics (formerly Invitae), Labcorp
Classification: Likely benign for Congenital myasthenic syndrome 9; Fetal akinesia deformation sequence 1. Last evaluated: 2026-01-27. Review status: criteria provided, single submitter. Criteria: Invitae Variant Classification Sherloc (09022015). Collection method: clinical testing. Allele origin: germline.

Institute for Clinical Genetics, University Hospital TU Dresden, University Hospital TU Dresden
Classification: Uncertain significance. Last evaluated: 2021-03-22. Review status: criteria provided, single submitter. Criteria: ACMG Guidelines, 2015. Collection method: clinical testing. Allele origin: maternal.
Comment: BS1

GeneDx
Classification: Likely benign. Last evaluated: 2020-06-29. Review status: criteria provided, single submitter. Criteria: GeneDx Variant Classification Process June 2021. Collection method: clinical testing. Allele origin: germline. Affected: yes.

Illumina Laboratory Services, Illumina
Classification: Uncertain significance for Congenital myasthenic syndrome 9. Last evaluated: 2018-01-13. Review status: criteria provided, single submitter. Criteria: ICSL Variant Classification Criteria 13 December 2019. Collection method: clinical testing. Allele origin: germline.

Center for Pediatric Genomic Medicine, Children's Mercy Hospital and Clinics
Classification: Likely benign. Last evaluated: 2017-03-03. Review status: criteria provided, single submitter. Criteria: ACMG Guidelines, 2015. Collection method: clinical testing. Allele origin: germline.

Genetic Services Laboratory, University of Chicago
Classification: Uncertain significance. Last evaluated: 2016-12-08. Review status: criteria provided, single submitter. Criteria: ACMG Guidelines, 2015. Collection method: clinical testing. Allele origin: germline. Affected: no.

Eurofins Ntd Llc (ga)
Classification: Likely benign. Last evaluated: 2015-08-25. Review status: criteria provided, single submitter. Criteria: EGL Classification Definitions 2015. Collection method: clinical testing. Allele origin: germline. Observed: 1 variant allele, 1 heterozygote.

PreventionGenetics, part of Exact Sciences
Classification: Likely benign. Review status: criteria provided, single submitter. Criteria: ACMG Guidelines, 2015. Collection method: clinical testing. Allele origin: germline.